The following is an entry in ClinVar:

NM_000063.6(C2):c.630T>A (p.Tyr210Ter)

Gene: C2 (complement C2; plus strand). Cytogenetic location: 6p21.33.
Variant type: single nucleotide variant.
Coding change: c.630T>A on transcript NM_000063.6 (MANE Select); coding-DNA position 630, T replaced by A.
Protein change: p.Tyr210Ter; replaces tyrosine 210 with a stop codon.
Molecular consequence: nonsense. On other transcripts: intron variant (1).
Genome position (GRCh38, 1-based): chr6:31,933,880, T>A. VCF-style: chr6-31933880-T-A. GRCh37 (hg19) VCF-style: chr6-31901657-T-A.
Other names: c.234T>A, p.Tyr78Ter (NM_001145903.3); c.261T>A, p.Tyr87Ter (NM_001178063.3); c.543T>A, p.Tyr181Ter (NM_001282458.2); c.630T>A, p.Tyr210Ter (NM_001282459.2); c.111+97T>A (NM_001282457.2); short protein forms Y210*, Y87*, Y181*, Y78*.
Identifiers: ClinVar variation 2876427 (VCV002876427.3), dbSNP rs372423916, ClinGen allele CA363497056.

ClinVar aggregate classification (germline): Pathogenic (1 of 4 stars; one submission).

Submission:

Labcorp Genetics (formerly Invitae), Labcorp
Classification: Pathogenic. Last evaluated: 2024-07-29. Review status: criteria provided, single submitter. Criteria: Invitae Variant Classification Sherloc (09022015). Collection method: clinical testing. Allele origin: germline.
Comment: This sequence change creates a premature translational stop signal (p.Tyr210*) in the C2 gene. It is expected to result in an absent or disrupted protein product. Loss-of-function variants in C2 are known to be pathogenic (PMID: 1577763, 9616367). This variant is not present in population databases (gnomAD no frequency). This variant has not been reported in the literature in individuals affected with C2-related conditions. For these reasons, this variant has been classified as Pathogenic.

Literature cited by the submitters: PubMed 1577763; PubMed 9616367.